The following is an entry in ClinVar:

NM_139076.3(ABRAXAS1):c.1115C>A (p.Ala372Glu)

Gene: ABRAXAS1 (abraxas 1, BRCA1 A complex subunit; minus strand). Cytogenetic location: 4q21.23.
Variant type: single nucleotide variant.
Coding change: c.1115C>A on transcript NM_139076.3 (MANE Select); coding-DNA position 1115, C replaced by A.
Protein change: p.Ala372Glu; replaces alanine 372 with glutamic acid.
Molecular consequence: missense variant.
Genome position (GRCh38, 1-based): chr4:83,462,584, G>T on the plus strand (C>A on the coding strand, the complement: ABRAXAS1 is on the minus strand). VCF-style: chr4-83462584-G-T. GRCh37 (hg19) VCF-style: chr4-84383737-G-T.
Other names: c.788C>A, p.Ala263Glu (NM_001345962.2); short protein forms A263E, A372E.
Identifiers: ClinVar variation 3229133 (VCV003229133.2), dbSNP rs2110032874, ClinGen allele CA357255103.

ClinVar aggregate classification (germline): Uncertain significance (1 of 4 stars; one submission).

Submission:

Ambry Genetics
Classification: Uncertain significance. Last evaluated: 2025-11-11. Review status: criteria provided, single submitter. Criteria: Ambry Variant Classification Scheme 2023. Collection method: clinical testing. Allele origin: germline.
Comment: The p.A372E variant (also known as c.1115C>A), located in coding exon 9 of the FAM175A gene, results from a C to A substitution at nucleotide position 1115. The alanine at codon 372 is replaced by glutamic acid, an amino acid with dissimilar properties. This amino acid position is conserved. In addition, this alteration is predicted to be tolerated by in silico analysis. Since supporting evidence is limited at this time, the clinical significance of this alteration remains unclear.